The following is an entry in ClinVar:

ClinVar aggregate classification (germline): Uncertain significance. Review status: criteria provided, multiple submitters, no conflicts (2 of 4 stars). 3 submissions from 3 submitters: Uncertain significance (2). 1 of the submissions does not count toward it. Last evaluated 2023-08-30.

Conditions:
Joubert syndrome. Also called: Familial aplasia of the vermis; CEREBELLOPARENCHYMAL DISORDER IV; JOUBERT-BOLTSHAUSER SYNDROME. Identifiers: Orphanet 475, MedGen C5979921, MONDO:0018772.
Meckel-Gruber syndrome. Also called: Dysencephalia splachnocystica; DYSENCEPHALIA SPLANCHNOCYSTICA; GRUBER SYNDROME. Identifiers: Orphanet 564, MedGen C0265215, MONDO:0018921.
Joubert syndrome 7 (JBTS7). Identifiers: Orphanet 220497, MedGen C1969053, MONDO:0012694, OMIM 611560.
Meckel syndrome, type 5 (MKS5). Identifiers: Orphanet 564, MedGen C1969052, MONDO:0012695, OMIM 611561.
COACH syndrome 3. Identifiers: MedGen C5436841, MONDO:0030862, OMIM 619113.

Allele frequency attached by ClinVar (database versions not stated): gnomAD exomes below 0.00001; TOPMed below 0.00001; gnomAD 0.00001.
gnomAD v4.1: 7 of 1,613,634 alleles (0.00043%); highest among the groups gnomAD compares: Non-Finnish European, 0.00051%; no homozygotes.

Submissions (3):

Labcorp Genetics (formerly Invitae), Labcorp
Classification: Uncertain significance for Joubert syndrome; Meckel-Gruber syndrome. Last evaluated: 2023-08-30. Review status: criteria provided, single submitter. Criteria: Invitae Variant Classification Sherloc (09022015). Collection method: clinical testing. Allele origin: germline.
Comment: In summary, the available evidence is currently insufficient to determine the role of this variant in disease. Therefore, it has been classified as a Variant of Uncertain Significance. This sequence change replaces glutamine, which is neutral and polar, with histidine, which is basic and polar, at codon 767 of the RPGRIP1L protein (p.Gln767His). This variant is present in population databases (no rsID available, gnomAD 0.0009%). This variant has not been reported in the literature in individuals affected with RPGRIP1L-related conditions. ClinVar contains an entry for this variant (Variation ID: 1046539). Advanced modeling of protein sequence and biophysical properties (such as structural, functional, and spatial information, amino acid conservation, physicochemical variation, residue mobility, and thermodynamic stability) performed at Invitae indicates that this missense variant is not expected to disrupt RPGRIP1L protein function.

Fulgent Genetics
Classification: Uncertain significance for Joubert syndrome 7; Meckel syndrome, type 5; COACH syndrome 3. Last evaluated: 2022-01-05. Review status: criteria provided, single submitter. Criteria: ACMG Guidelines, 2015. Collection method: clinical testing. Allele origin: unknown.

Natera, Inc.
Classification: Uncertain significance for Joubert syndrome. Last evaluated: 2021-04-16. Review status: no assertion criteria provided. Collection method: clinical testing. Allele origin: germline. Not counted in ClinVar's aggregate classification.

NM_015272.5(RPGRIP1L):c.2301G>T (p.Gln767His)

Gene: RPGRIP1L (RPGRIP1 like; minus strand). Cytogenetic location: 16q12.2.
Variant type: single nucleotide variant.
Coding change: c.2301G>T on transcript NM_015272.5 (MANE Select); coding-DNA position 2301, G replaced by T.
Protein change: p.Gln767His; replaces glutamine 767 with histidine.
Molecular consequence: missense variant.
Genome position (GRCh38, 1-based): chr16:53,648,967, C>A on the plus strand (G>T on the coding strand, the complement: RPGRIP1L is on the minus strand). VCF-style: chr16-53648967-C-A. GRCh37 (hg19) VCF-style: chr16-53682879-C-A.
Other names: c.2301G>T, p.Gln767His (NM_001127897.4, NM_001308334.3, NM_001330538.2); short protein forms Q767H.
Identifiers: ClinVar variation 1046539 (VCV001046539.5), dbSNP rs1338012833, ClinGen allele CA395915285.